The following is an entry in ClinVar:

ClinVar aggregate classification (germline): Uncertain significance (1 of 4 stars; one submission).

gnomAD v4.1: 1 of 1,612,190 alleles (0.000062%); highest among the groups gnomAD compares: Non-Finnish European, 0.000085%; no homozygotes.

Submission:

Labcorp Genetics (formerly Invitae), Labcorp
Classification: Uncertain significance. Last evaluated: 2023-07-17. Review status: criteria provided, single submitter. Criteria: Invitae Variant Classification Sherloc (09022015). Collection method: clinical testing. Allele origin: germline.
Comment: In summary, the available evidence is currently insufficient to determine the role of this variant in disease. Therefore, it has been classified as a Variant of Uncertain Significance. Advanced modeling of protein sequence and biophysical properties (such as structural, functional, and spatial information, amino acid conservation, physicochemical variation, residue mobility, and thermodynamic stability) performed at Invitae indicates that this missense variant is expected to disrupt TCF3 protein function. ClinVar contains an entry for this variant (Variation ID: 1993677). This variant has not been reported in the literature in individuals affected with TCF3-related conditions. This variant is not present in population databases (gnomAD no frequency). This sequence change replaces arginine, which is basic and polar, with proline, which is neutral and non-polar, at codon 546 of the TCF3 protein (p.Arg546Pro).

NM_003200.5(TCF3):c.1637G>C (p.Arg546Pro)

Gene: TCF3 (transcription factor 3; minus strand). Cytogenetic location: 19p13.3.
Variant type: single nucleotide variant.
Coding change: c.1637G>C on transcript NM_003200.5 (MANE Select); coding-DNA position 1637, G replaced by C.
Protein change: p.Arg546Pro; replaces arginine 546 with proline.
Molecular consequence: missense variant. On other transcripts: intron variant (2).
Genome position (GRCh38, 1-based): chr19:1,615,470, C>G on the plus strand (G>C on the coding strand, the complement: TCF3 is on the minus strand). VCF-style: chr19-1615470-C-G. GRCh37 (hg19) VCF-style: chr19-1615469-C-G.
Other names: c.1634G>C, p.Arg545Pro (NM_001351778.2); c.1586+216G>C (NM_001136139.4, NM_001351779.2); short protein forms R545P, R546P.
Identifiers: ClinVar variation 1993677 (VCV001993677.4), dbSNP rs780925230, ClinGen allele CA403050823.